The following is an entry in ClinVar:

NM_031310.3(PLVAP):c.320G>A (p.Arg107His)

Gene: PLVAP (plasmalemma vesicle associated protein; minus strand). Cytogenetic location: 19p13.11.
Variant type: single nucleotide variant.
Coding change: c.320G>A on transcript NM_031310.3 (MANE Select); coding-DNA position 320, G replaced by A.
Protein change: p.Arg107His; replaces arginine 107 with histidine.
Molecular consequence: missense variant.
Genome position (GRCh38, 1-based): chr19:17,376,969, C>T on the plus strand (G>A on the coding strand, the complement: PLVAP is on the minus strand). VCF-style: chr19-17376969-C-T. GRCh37 (hg19) VCF-style: chr19-17487778-C-T.
Other names: short protein forms R107H.
Identifiers: ClinVar variation 2784896 (VCV002784896.3), dbSNP rs369760303, ClinGen allele CA306071784.

ClinVar aggregate classification (germline): Uncertain significance (1 of 4 stars; one submission).

Allele frequency attached by ClinVar (database versions not stated): gnomAD exomes 0.00001; ESP Exome Variant Server 0.00008.
gnomAD v4.1: 17 of 1,614,050 alleles (0.0011%); highest among the groups gnomAD compares: Non-Finnish European, 0.0013%; no homozygotes.

Submission:

Labcorp Genetics (formerly Invitae), Labcorp
Classification: Uncertain significance. Last evaluated: 2023-05-09. Review status: criteria provided, single submitter. Criteria: Invitae Variant Classification Sherloc (09022015). Collection method: clinical testing. Allele origin: germline.
Comment: In summary, the available evidence is currently insufficient to determine the role of this variant in disease. Therefore, it has been classified as a Variant of Uncertain Significance. Advanced modeling of protein sequence and biophysical properties (such as structural, functional, and spatial information, amino acid conservation, physicochemical variation, residue mobility, and thermodynamic stability) performed at Invitae indicates that this missense variant is expected to disrupt PLVAP protein function. This variant has not been reported in the literature in individuals affected with PLVAP-related conditions. This variant is present in population databases (rs369760303, gnomAD 0.0009%). This sequence change replaces arginine, which is basic and polar, with histidine, which is basic and polar, at codon 107 of the PLVAP protein (p.Arg107His).